The following is an entry in ClinVar:

NM_001923.5(DDB1):c.1899C>T (p.Thr633=)

Gene: DDB1 (damage specific DNA binding protein 1; minus strand). Cytogenetic location: 11q12.2.
Variant type: single nucleotide variant.
Coding change: c.1899C>T on transcript NM_001923.5 (MANE Select); coding-DNA position 1899, C replaced by T.
Protein change: p.Thr633=; no amino-acid change (threonine 633 retained).
Molecular consequence: synonymous variant.
Genome position (GRCh38, 1-based): chr11:61,313,669, G>A on the plus strand (C>T on the coding strand, the complement: DDB1 is on the minus strand). VCF-style: chr11-61313669-G-A. GRCh37 (hg19) VCF-style: chr11-61081141-G-A.
Identifiers: ClinVar variation 4533959 (VCV004533959.6).

ClinVar aggregate classification (germline): Likely benign (1 of 4 stars; one submission).

gnomAD v4.1: 1,115 of 1,613,526 alleles (0.069%); highest among the groups gnomAD compares: African/African-American, 1.4%; 9 homozygotes.

Submission:

CeGaT Center for Human Genetics Tuebingen
Classification: Likely benign. Last evaluated: 2026-09-01. Review status: criteria provided, single submitter. Criteria: CeGaT Center For Human Genetics Tuebingen Variant Classification Criteria Version 2. Collection method: clinical testing. Allele origin: germline. Affected: yes. Observed: 3 variant alleles.
Comment: DDB1: BP4, BP7, BS1